The following is an entry in ClinVar:

ClinVar aggregate classification (germline): Uncertain significance. Review status: criteria provided, multiple submitters, no conflicts (2 of 4 stars). 2 submissions from 2 submitters: Uncertain significance (2). Last evaluated 2024-04-29.

Conditions:
Ornithine carbamoyltransferase deficiency (OTCD). Also called: ORNITHINE TRANSCARBAMYLASE DEFICIENCY; ORNITHINE TRANSCARBAMYLASE DEFICIENCY, HYPERAMMONEMIA DUE TO; OTC DEFICIENCY; Ornithine Carbamoyltransferase Deficiency Disease. Identifiers: Orphanet 664, MedGen C0268542, MONDO:0010703, OMIM 311250.

Allele frequency attached by ClinVar (database versions not stated): TOPMed below 0.00001; gnomAD 0.00001; gnomAD exomes 0.00001.
gnomAD v4.1: 4 of 1,205,362 alleles (0.00033%); highest among the groups gnomAD compares: African/African-American, 0.0035%; no homozygotes.

Submissions (2):

GeneDx
Classification: Uncertain significance. Last evaluated: 2024-04-29. Review status: criteria provided, single submitter. Criteria: GeneDx Variant Classification Process June 2021. Collection method: clinical testing. Allele origin: germline. Affected: yes.
Comment: Not observed at significant frequency in large population cohorts (gnomAD); In silico analysis supports that this missense variant has a deleterious effect on protein structure/function; Has not been previously published as pathogenic or benign to our knowledge

Mendelics
Classification: Uncertain significance for Ornithine carbamoyltransferase deficiency. Last evaluated: 2023-12-16. Review status: criteria provided, single submitter. Criteria: Mendelics Assertion Criteria 2017. Collection method: clinical testing. Allele origin: unknown.

NM_000531.6(OTC):c.493G>C (p.Asp165His)

Gene: OTC (ornithine transcarbamylase; plus strand). Cytogenetic location: Xp11.4.
Variant type: single nucleotide variant.
Coding change: c.493G>C on transcript NM_000531.6 (MANE Select); coding-DNA position 493, G replaced by C.
Protein change: p.Asp165His; replaces aspartic acid 165 with histidine.
Molecular consequence: missense variant.
Genome position (GRCh38, 1-based): chrX:38,401,381, G>C. VCF-style: chrX-38401381-G-C. GRCh37 (hg19) VCF-style: chrX-38260634-G-C.
Other names: c.493G>C (NM_000531.5); short protein forms D165H.
Identifiers: ClinVar variation 803978 (VCV000803978.3), dbSNP rs72556275, ClinGen allele CA412723698.